The following is an entry in ClinVar:

NM_001970.5(EIF5A):c.77G>C (p.Arg26Pro)

Gene: EIF5A (eukaryotic translation initiation factor 5A; plus strand). Cytogenetic location: 17p13.1.
Variant type: single nucleotide variant.
Coding change: c.77G>C on transcript NM_001970.5 (MANE Select); coding-DNA position 77, G replaced by C.
Protein change: p.Arg26Pro; replaces arginine 26 with proline.
Molecular consequence: missense variant.
Genome position (GRCh38, 1-based): chr17:7,309,712, G>C. VCF-style: chr17-7309712-G-C. GRCh37 (hg19) VCF-style: chr17-7213031-G-C.
Other names: c.167G>C, p.Arg56Pro (NM_001143760.1); c.77G>C, p.Arg26Pro (NM_001143761.1, NM_001143762.2, NM_001370420.1 and 1 more transcripts); c.77G>C (NM_001970.4); short protein forms R26P, R56P.
Identifiers: ClinVar variation 1064810 (VCV001064810.2), dbSNP rs2143008740, ClinGen allele CA397774433.

ClinVar aggregate classification (germline): Likely pathogenic. Review status: criteria provided, multiple submitters, no conflicts (2 of 4 stars). 2 submissions from 2 submitters: Likely pathogenic (2). Last evaluated 2024-10-01.

Conditions:
Neurodevelopmental disorder. Identifiers: MedGen C1535926, MeSH D065886, MONDO:0700092.

Submissions (2):

GeneDx
Classification: Likely pathogenic. Last evaluated: 2024-10-01. Review status: criteria provided, single submitter. Criteria: GeneDx Variant Classification Process June 2021. Collection method: clinical testing. Allele origin: germline. Affected: yes.
Comment: Not observed at significant frequency in large population cohorts (gnomAD); In silico analysis supports that this missense variant has a deleterious effect on protein structure/function; Has not been previously published as pathogenic or benign to our knowledge

Laboratory of Molecular Genetics (Pr. Bezieau's lab), CHU de Nantes
Classification: Likely pathogenic for Neurodevelopmental disorder. Last evaluated: 2020-12-21. Review status: criteria provided, single submitter. Criteria: ACMG Guidelines, 2015. Collection method: clinical testing. Allele origin: germline. Affected: yes.